The following is an entry in ClinVar:

NM_003906.5(MCM3AP):c.2227del (p.Pro742_Leu743insTer)

Gene: MCM3AP (minichromosome maintenance complex component 3 associated protein; minus strand). Cytogenetic location: 21q22.3.
Variant type: Deletion.
Coding change: c.2227del on transcript NM_003906.5 (MANE Select); coding-DNA position 2227, one base deleted (C; older notation c.2227delC).
Protein change: p.Pro742_Leu743insTer.
Molecular consequence: nonsense.
Genome position (GRCh38, 1-based): chr21:46,272,799, G deleted on the plus strand (C on the coding strand, the reverse complement: MCM3AP is on the minus strand); the first of 5 consecutive G bases (chr21:46,272,799-46,272,803); deleting any one gives the same sequence. VCF-style (leftmost placement, unchanged base first): chr21-46272798-AG-A. GRCh37 (hg19) VCF-style: chr21-47692712-AG-A.
Identifiers: ClinVar variation 4531771 (VCV004531771.1).

ClinVar aggregate classification (germline): Pathogenic (1 of 4 stars; one submission).

Conditions:
Peripheral neuropathy, autosomal recessive, with or without impaired intellectual development. Identifiers: MedGen C4748283, MONDO:0029131, OMIM 618124.

Submission:

Victorian Clinical Genetics Services, Murdoch Childrens Research Institute
Classification: Pathogenic for Peripheral neuropathy, autosomal recessive, with or without impaired intellectual development. Last evaluated: 2024-11-08. Review status: criteria provided, single submitter. Criteria: ACMG Guidelines, 2015. Collection method: clinical testing. Allele origin: germline. Affected: yes.
Comment: This variant is classified as Pathogenic. Evidence in support of pathogenic classification: Variant is predicted to cause nonsense-mediated decay (NMD) and loss of protein (premature termination codon is located at least 54 nucleotides upstream of the final exon-exon junction); Variant is present in gnomAD <0.01 for a recessive condition (v4: 1 heterozygote(s), 0 homozygote(s)); Other NMD-predicted variant(s) comparable to the one identified in this case have very strong previous evidence for pathogenicity (DECIPHER). Additional information: This variant is heterozygous; This gene is associated with autosomal recessive disease; This variant has no previous evidence of pathogenicity; No published segregation evidence has been identified for this variant; No published functional evidence has been identified for this variant; Loss of function is a known mechanism of disease in this gene and is associated with autosomal recessive peripheral neuropathy with or without impaired intellectual development (MIM#618124); Inheritance information for this variant is not currently available in this individual.